The following is an entry in ClinVar:

NM_001349798.2(FBXW7):c.760G>A (p.Asp254Asn)

Genes: FBXW7 (F-box and WD repeat domain containing 7; minus strand), FBXW7-AS1 (FBXW7 antisense RNA 1; plus strand). Cytogenetic location: 4q31.3.
Variant type: single nucleotide variant.
Coding change: c.760G>A on transcript NM_001349798.2 (MANE Select); coding-DNA position 760, G replaced by A.
Protein change: p.Asp254Asn; replaces aspartic acid 254 with asparagine.
Molecular consequence: missense variant. On other transcripts: non-coding transcript variant (1).
Genome position (GRCh38, 1-based): chr4:152,337,903, C>T on the plus strand (G>A on the coding strand, the complement: FBXW7 is on the minus strand). VCF-style: chr4-152337903-C-T. GRCh37 (hg19) VCF-style: chr4-153259055-C-T.
Other names: c.406G>A, p.Asp136Asn (NM_001013415.2); c.520G>A, p.Asp174Asn (NM_018315.5); c.760G>A, p.Asp254Asn (NM_033632.3); short protein forms D136N, D174N, D254N.
Identifiers: ClinVar variation 3370817 (VCV003370817.2).

ClinVar aggregate classification (germline): Uncertain significance (1 of 4 stars; one submission).

Submission:

GeneDx
Classification: Uncertain significance. Last evaluated: 2026-07-31. Review status: criteria provided, single submitter. Criteria: GeneDx Variant Classification Process June 2021. Collection method: clinical testing. Allele origin: germline.
Comment: Not observed at significant frequency in large population cohorts (gnomAD); In silico analysis supports that this missense variant has a deleterious effect on protein structure/function; Has not been previously published as pathogenic or benign to our knowledge